The following is an entry in ClinVar:

ClinVar aggregate classification (germline): Conflicting classifications of pathogenicity. Review status: criteria provided, conflicting classifications (1 of 4 stars). 4 submissions from 4 submitters: Likely pathogenic (1); Uncertain significance (2). 1 of the submissions does not count toward it. Last evaluated 2025-11-14.

Conditions:
Renal tubulopathies.
Tyrosinemia type I (TYRSN1). Also called: Tyrosinemia type 1; Fumarylacetoacetase deficiency; Deficiency of fumarylacetoacetase; HEPATORENAL TYROSINEMIA; FAH DEFICIENCY. Identifiers: Orphanet 882, MedGen C0268490, MONDO:0010161, OMIM 276700. Disease mechanism: loss of function.

Allele frequency attached by ClinVar (database versions not stated): gnomAD exomes below 0.00001 and 0.00003; ExAC 0.00001.

Submissions (4):

Genetics Laboratory, Great Ormond Street Hospital NHS Foundation Trust, North Thames Genomic Laboratory Hub
Classification: Uncertain significance for Renal tubulopathies. Last evaluated: 2025-11-14. Review status: criteria provided, single submitter. Criteria: ACGS Best Practice Guidelines for Variant Classification in Rare Disease 2024 v1.2. Collection method: clinical testing. Allele origin: germline. Affected: yes.
Comment: PM2_moderate, PP3_supporting, PM3_supporting

Women's Health and Genetics/Laboratory Corporation of America, LabCorp
Classification: Uncertain significance. Last evaluated: 2024-09-30. Review status: criteria provided, single submitter. Criteria: LabCorp Variant Classification Summary - May 2015. Collection method: clinical testing. Allele origin: germline.
Comment: Variant summary: FAH c.107T>C (p.Ile36Thr) results in a non-conservative amino acid change located in the N-terminal domain (IPR015377) of the encoded protein sequence. Five of five in-silico tools predict a damaging effect of the variant on protein function. The variant allele was found at a frequency of 4e-06 in 251494 control chromosomes. c.107T>C has been reported in the literature in at least two compound heterozygous individuals affected with Tyrosinemia Type 1 (e.g., McKiernan_2015, Yang_2020 (no PMID)). These data indicate that the variant may be associated with disease. To our knowledge, no experimental evidence demonstrating an impact on protein function has been reported. The following publication was ascertained in the context of this evaluation (PMID: 25564536). ClinVar contains an entry for this variant (Variation ID: 430378). Based on the evidence outlined above, the variant was classified as VUS-possibly pathogenic.

GeneDx
Classification: Likely pathogenic. Last evaluated: 2015-08-31. Review status: criteria provided, single submitter. Criteria: GeneDx Variant Classification (06012015). Collection method: clinical testing. Allele origin: germline. Affected: yes.
Comment: The I36T variant is a non-conservative amino acid substitution, which is likely to impact secondary protein structure as these residues differ in polarity, charge, size and/or other properties. This substitution occurs at a position that is conserved across species. In silico analysis predicts this variant is probably damaging to the protein structure/function. A missense variant in a nearby residue (A35T) has been reported in the Human Gene Mutation Database in association with tyrosinemia type I (Stenson et al., 2014), supporting the functional importance of this region of the protein. Therefore, this variant is a strong candidate for a pathogenic variant, however the possibility that it is a benign variant cannot be excluded.

Counsyl
Classification: Uncertain significance for Tyrosinemia type I. Last evaluated: 2017-07-12. Review status: no assertion criteria provided. Collection method: clinical testing. Allele origin: unknown. Not counted in ClinVar's aggregate classification.

Literature cited by the submitters: PubMed 25564536 (cited by Women's Health and Genetics/Laboratory Corporation of America, LabCorp and Counsyl).

NM_000137.4(FAH):c.107T>C (p.Ile36Thr)

Gene: FAH (fumarylacetoacetate hydrolase; plus strand). Cytogenetic location: 15q25.1.
Variant type: single nucleotide variant.
Coding change: c.107T>C on transcript NM_000137.4 (MANE Select); coding-DNA position 107, T replaced by C.
Protein change: p.Ile36Thr; replaces isoleucine 36 with threonine.
Molecular consequence: missense variant.
Genome position (GRCh38, 1-based): chr15:80,158,085, T>C. VCF-style: chr15-80158085-T-C. GRCh37 (hg19) VCF-style: chr15-80450427-T-C.
Other names: c.107T>C, p.Ile36Thr (NM_001374377.1, NM_001374380.1); short protein forms I36T.
Identifiers: ClinVar variation 430378 (VCV000430378.7), dbSNP rs774648934, ClinGen allele CA7691023.